The following is an entry in ClinVar:

ClinVar aggregate classification (germline): Likely benign (1 of 4 stars; one submission).

gnomAD v4.1: 2 of 1,614,210 alleles (0.00012%); highest among the groups gnomAD compares: Non-Finnish European, 0.00017%; no homozygotes.

Submission:

CeGaT Center for Human Genetics Tuebingen
Classification: Likely benign. Last evaluated: 2026-08-01. Review status: criteria provided, single submitter. Criteria: CeGaT Center For Human Genetics Tuebingen Variant Classification Criteria Version 2. Collection method: clinical testing. Allele origin: germline. Affected: yes. Observed: 1 variant allele.
Comment: SRRM2: BP4, BP7

NM_016333.4(SRRM2):c.3807A>G (p.Glu1269=)

Gene: SRRM2 (serine/arginine repetitive matrix 2; plus strand). Cytogenetic location: 16p13.3.
Variant type: single nucleotide variant.
Coding change: c.3807A>G on transcript NM_016333.4 (MANE Select); coding-DNA position 3807, A replaced by G.
Protein change: p.Glu1269=; no amino-acid change (glutamic acid 1269 retained).
Molecular consequence: synonymous variant.
Genome position (GRCh38, 1-based): chr16:2,764,335, A>G. VCF-style: chr16-2764335-A-G. GRCh37 (hg19) VCF-style: chr16-2814336-A-G.
Identifiers: ClinVar variation 5040465 (VCV005040465.1).